The following is an entry in ClinVar:

NM_001378964.1(CDON):c.1404G>T (p.Leu468Phe)

Gene: CDON (cell adhesion associated, oncogene regulated; minus strand). Cytogenetic location: 11q24.2.
Variant type: single nucleotide variant.
Coding change: c.1404G>T on transcript NM_001378964.1 (MANE Select); coding-DNA position 1404, G replaced by T.
Protein change: p.Leu468Phe; replaces leucine 468 with phenylalanine.
Molecular consequence: missense variant.
Genome position (GRCh38, 1-based): chr11:126,010,489, C>A on the plus strand (G>T on the coding strand, the complement: CDON is on the minus strand). VCF-style: chr11-126010489-C-A. GRCh37 (hg19) VCF-style: chr11-125880384-C-A.
Other names: c.1404G>T, p.Leu468Phe (NM_001243597.3, NM_016952.6); short protein forms L468F.
Identifiers: ClinVar variation 1471005 (VCV001471005.6), dbSNP rs2134629474, ClinGen allele CA383209507.

ClinVar aggregate classification (germline): Uncertain significance (1 of 4 stars; one submission).

Conditions:
Holoprosencephaly 11 (HPE11). Identifiers: Orphanet 2162, MedGen C3280215, MONDO:0013642, OMIM 614226.

Submission:

Labcorp Genetics (formerly Invitae), Labcorp
Classification: Uncertain significance for Holoprosencephaly 11. Last evaluated: 2022-08-10. Review status: criteria provided, single submitter. Criteria: Invitae Variant Classification Sherloc (09022015). Collection method: clinical testing. Allele origin: germline.
Comment: ClinVar contains an entry for this variant (Variation ID: 1471005). In summary, the available evidence is currently insufficient to determine the role of this variant in disease. Therefore, it has been classified as a Variant of Uncertain Significance. Algorithms developed to predict the effect of missense changes on protein structure and function output the following: SIFT: "Tolerated"; PolyPhen-2: "Benign"; Align-GVGD: "Class C0". The phenylalanine amino acid residue is found in multiple mammalian species, which suggests that this missense change does not adversely affect protein function. This variant has not been reported in the literature in individuals affected with CDON-related conditions. This variant is not present in population databases (gnomAD no frequency). This sequence change replaces leucine, which is neutral and non-polar, with phenylalanine, which is neutral and non-polar, at codon 468 of the CDON protein (p.Leu468Phe).